The following is an entry in ClinVar:

ClinVar aggregate classification (germline): Likely pathogenic. Review status: criteria provided, multiple submitters, no conflicts (2 of 4 stars). 2 submissions from 2 submitters: Likely pathogenic (2). Last evaluated 2021-04-15.

Conditions:
Neurodevelopmental disorder with nonspecific brain abnormalities and with or without seizures. Identifiers: MedGen C5231470, MONDO:0032877, OMIM 618709.

Submissions (2):

Greenwood Genetic Center Diagnostic Laboratories, Greenwood Genetic Center
Classification: Likely pathogenic for Neurodevelopmental disorder with nonspecific brain abnormalities and with or without seizures. Last evaluated: 2021-04-15. Review status: criteria provided, single submitter. Criteria: ACMG Guidelines, 2015. Collection method: clinical testing. Allele origin: germline. Affected: yes.
Comment: PVS1, PM2

Department of Genetics, Rouen University Hospital, Normandy Center for Genomic and Personalized Medicine
Classification: Likely pathogenic for Neurodevelopmental disorder with nonspecific brain abnormalities and with or without seizures. Last evaluated: 2020-12-16. Review status: criteria provided, single submitter. Criteria: ACMG Guidelines, 2015. Collection method: clinical testing. Allele origin: maternal. Affected: yes.

NM_005618.4(DLL1):c.1574dup (p.Ala528fs)

Gene: DLL1 (delta like canonical Notch ligand 1; minus strand). Cytogenetic location: 6q27.
Variant type: Duplication.
Coding change: c.1574dup on transcript NM_005618.4 (MANE Select); coding-DNA position 1574, one base duplicated (C; older notation c.1574dupC).
Protein change: p.Ala528fs; shifts the reading frame from alanine 528.
Molecular consequence: frameshift variant.
Genome position (GRCh38, 1-based): chr6:170,283,705, G duplicated on the plus strand (C on the coding strand, the reverse complement: DLL1 is on the minus strand); the first of 5 consecutive G bases (chr6:170,283,705-170,283,709); duplicating any one gives the same sequence. VCF-style (leftmost placement, unchanged base first): chr6-170283704-C-CG. GRCh37 (hg19) VCF-style: chr6-170592792-C-CG.
Other names: c.1574dupC (NM_005618.3); short protein forms A528fs.
Identifiers: ClinVar variation 1334557 (VCV001334557.6), dbSNP rs2114958269, ClinGen allele CA2573052646.